The following is an entry in ClinVar:

ClinVar aggregate classification (germline): Likely pathogenic (1 of 4 stars; one submission).

Conditions:
Immunodeficiency, common variable, 2 (CVID2). Also called: ANTIBODY DEFICIENCY DUE TO TACI DEFECT; HYPOGAMMAGLOBULINEMIA DUE TO TACI DEFICIENCY. Identifiers: Orphanet 1572, MedGen C3150354, MONDO:0009413, OMIM 240500.
Immunoglobulin A deficiency 2 (IGAD2). Identifiers: MedGen C1836032, MONDO:0012291, OMIM 609529.

Submission:

Juno Genomics, Hangzhou Juno Genomics, Inc
Classification: Likely pathogenic for Immunodeficiency, common variable, 2; Immunoglobulin A deficiency 2. Review status: criteria provided, single submitter. Criteria: ACMG Guidelines, 2015. Collection method: clinical testing. Allele origin: germline.
Comment: Null variant in a gene where loss of function (LOF) is a known mechanism of disease.;Absent from controls (or at extremely low frequency if recessive) in Genome Aggregation Database.

NM_012452.3(TNFRSF13B):c.71del (p.Gly24fs)

Gene: TNFRSF13B (TNF receptor superfamily member 13B; minus strand). Cytogenetic location: 17p11.2.
Variant type: Deletion.
Coding change: c.71del on transcript NM_012452.3 (MANE Select); coding-DNA position 71, one base deleted (G; older notation c.71delG).
Protein change: p.Gly24fs; shifts the reading frame from glycine 24.
Molecular consequence: frameshift variant.
Genome position (GRCh38, 1-based): chr17:16,952,574, C deleted on the plus strand (G on the coding strand, the reverse complement: TNFRSF13B is on the minus strand); the first of 3 consecutive C bases (chr17:16,952,574-16,952,576); deleting any one gives the same sequence. VCF-style (leftmost placement, unchanged base first): chr17-16952573-GC-G. GRCh37 (hg19) VCF-style: chr17-16855887-GC-G.
Other names: short protein forms G24fs.
Identifiers: ClinVar variation 5005702 (VCV005005702.2).